The following is an entry in ClinVar:

ClinVar aggregate classification (germline): Pathogenic (1 of 4 stars; one submission).

Conditions:
Microcephaly, normal intelligence and immunodeficiency (NBS). Also called: BERLIN BREAKAGE SYNDROME; Immunodeficiency, microcephaly with normal intelligence; IMMUNODEFICIENCY, MICROCEPHALY, AND CHROMOSOMAL INSTABILITY; SEEMANOVA SYNDROME II; Nijmegen breakage syndrome; Microcephaly with normal intelligence immunodeficiency and lymphoreticular malignancies. Identifiers: Orphanet 647, MedGen C0398791, MONDO:0009623, OMIM 251260.

Submission:

Labcorp Genetics (formerly Invitae), Labcorp
Classification: Pathogenic for Microcephaly, normal intelligence and immunodeficiency. Last evaluated: 2023-08-04. Review status: criteria provided, single submitter. Criteria: Invitae Variant Classification Sherloc (09022015). Collection method: clinical testing. Allele origin: unknown.
Comment: For these reasons, this variant has been classified as Pathogenic. Studies have shown that this variant results in skipping of exon 9 and introduces a premature termination codon (Invitae). The resulting mRNA is expected to undergo nonsense-mediated decay. This variant has not been reported in the literature in individuals affected with NBN-related conditions. This variant is not present in population databases (gnomAD no frequency). This variant results in the deletion of part of exon 9 (c.995-23_998delins27) of the NBN gene. RNA analysis indicates that this variant induces altered splicing and may result in an absent or disrupted protein product.

NC_000008.10:g.(?_90971077)_(90971078_?)insTCTTTC

Gene: NBN (nibrin; minus strand). Cytogenetic location: 8q21.3.
Variant type: Insertion.
Identifiers: ClinVar variation 3245502 (VCV003245502.1).